The following is an entry in ClinVar:

ClinVar aggregate classification (germline): Uncertain significance (1 of 4 stars; one submission).

Conditions:
Muscular dystrophy-dystroglycanopathy (congenital with brain and eye anomalies), type a, 11 (MDDGA11). Also called: WALKER-WARBURG SYNDROME OR MUSCLE-EYE-BRAIN DISEASE, B3GALNT2-RELATED; Congenital muscular dystrophy-dystroglycanopathy with brain and eye anomalies, type A11; Muscular dystrophy-dystroglycanopathy (congenital with brain and eye anomalies, type A, 11. Identifiers: Orphanet 588, Orphanet 899, MedGen C3554638, MONDO:0014071, OMIM 615181.

Submission:

Labcorp Genetics (formerly Invitae), Labcorp
Classification: Uncertain significance for Muscular dystrophy-dystroglycanopathy (congenital with brain and eye anomalies), type a, 11. Last evaluated: 2022-11-29. Review status: criteria provided, single submitter. Criteria: Invitae Variant Classification Sherloc (09022015). Collection method: clinical testing. Allele origin: germline.
Comment: ClinVar contains an entry for this variant (Variation ID: 540915). In summary, the available evidence is currently insufficient to determine the role of this variant in disease. Therefore, it has been classified as a Variant of Uncertain Significance. Advanced modeling of protein sequence and biophysical properties (such as structural, functional, and spatial information, amino acid conservation, physicochemical variation, residue mobility, and thermodynamic stability) performed at Invitae indicates that this missense variant is not expected to disrupt B3GALNT2 protein function. This variant has not been reported in the literature in individuals affected with B3GALNT2-related conditions. This variant is not present in population databases (gnomAD no frequency). This sequence change replaces leucine, which is neutral and non-polar, with valine, which is neutral and non-polar, at codon 353 of the B3GALNT2 protein (p.Leu353Val).

NM_152490.5(B3GALNT2):c.1057C>G (p.Leu353Val)

Gene: B3GALNT2 (beta-1,3-N-acetylgalactosaminyltransferase 2; minus strand). Cytogenetic location: 1q42.3.
Variant type: single nucleotide variant.
Coding change: c.1057C>G on transcript NM_152490.5 (MANE Select); coding-DNA position 1057, C replaced by G.
Protein change: p.Leu353Val; replaces leucine 353 with valine.
Molecular consequence: missense variant.
Genome position (GRCh38, 1-based): chr1:235,455,653, G>C on the plus strand (C>G on the coding strand, the complement: B3GALNT2 is on the minus strand). VCF-style: chr1-235455653-G-C. GRCh37 (hg19) VCF-style: chr1-235618965-G-C.
Other names: short protein forms L353V.
Identifiers: ClinVar variation 540915 (VCV000540915.6), dbSNP rs1553342995, ClinGen allele CA344958139.